The following is an entry in ClinVar:

ClinVar aggregate classification (germline): Uncertain significance. Review status: criteria provided, multiple submitters, no conflicts (2 of 4 stars). 4 submissions from 4 submitters: Uncertain significance (4). Last evaluated 2026-05-21.

Conditions:
Inborn genetic diseases. Identifiers: MedGen C0950123, MeSH D030342.
ABCB11-related disorder. Also called: ABCB11-related condition.

Allele frequency attached by ClinVar (database versions not stated): gnomAD 0.00001; gnomAD exomes 0.00001 and 0.00002; ExAC 0.00002; TOPMed 0.00002.
gnomAD v4.1: 7 of 1,612,040 alleles (0.00043%); highest among the groups gnomAD compares: Admixed American, 0.012%; no homozygotes.

Submissions (4):

PreventionGenetics, part of Exact Sciences
Classification: Uncertain significance for ABCB11-related condition. Last evaluated: 2026-05-21. Review status: criteria provided, single submitter. Criteria: ACMG Guidelines, 2015. Collection method: clinical testing. Allele origin: germline.
Comment: The ABCB11 c.1360G>T variant is predicted to result in the amino acid substitution p.Val454Leu. To our knowledge, this variant has not been reported in the literature. This variant is reported in 0.014% of alleles in individuals of Latino descent in gnomAD. At this time, the clinical significance of this variant is uncertain due to the absence of conclusive functional and genetic evidence.

Labcorp Genetics (formerly Invitae), Labcorp
Classification: Uncertain significance. Last evaluated: 2024-05-03. Review status: criteria provided, single submitter. Criteria: Invitae Variant Classification Sherloc (09022015). Collection method: clinical testing. Allele origin: germline.
Comment: This sequence change replaces valine, which is neutral and non-polar, with leucine, which is neutral and non-polar, at codon 454 of the ABCB11 protein (p.Val454Leu). This variant is present in population databases (rs758400152, gnomAD 0.01%). This variant has not been reported in the literature in individuals affected with ABCB11-related conditions. ClinVar contains an entry for this variant (Variation ID: 291022). Advanced modeling of protein sequence and biophysical properties (such as structural, functional, and spatial information, amino acid conservation, physicochemical variation, residue mobility, and thermodynamic stability) performed at Invitae indicates that this missense variant is expected to disrupt ABCB11 protein function with a positive predictive value of 80%. In summary, the available evidence is currently insufficient to determine the role of this variant in disease. Therefore, it has been classified as a Variant of Uncertain Significance.

Ambry Genetics
Classification: Uncertain significance for Inborn genetic diseases. Last evaluated: 2021-08-23. Review status: criteria provided, single submitter. Criteria: Ambry Variant Classification Scheme 2023. Collection method: clinical testing. Allele origin: germline.

Eurofins Ntd Llc (ga)
Classification: Uncertain significance. Last evaluated: 2017-08-11. Review status: criteria provided, single submitter. Criteria: EGL Classification Definitions 2015. Collection method: clinical testing. Allele origin: germline. Observed: 3 variant alleles, 3 heterozygotes.

NM_003742.4(ABCB11):c.1360G>T (p.Val454Leu)

Gene: ABCB11 (ATP binding cassette subfamily B member 11; minus strand). Cytogenetic location: 2q31.1.
Variant type: single nucleotide variant.
Coding change: c.1360G>T on transcript NM_003742.4 (MANE Select); coding-DNA position 1360, G replaced by T.
Protein change: p.Val454Leu; replaces valine 454 with leucine.
Molecular consequence: missense variant.
Genome position (GRCh38, 1-based): chr2:168,973,789, C>A on the plus strand (G>T on the coding strand, the complement: ABCB11 is on the minus strand). VCF-style: chr2-168973789-C-A. GRCh37 (hg19) VCF-style: chr2-169830299-C-A.
Other names: c.1360G>T (NM_003742.2); c.1360G>T, p.Val454Leu (LRG_1199t1); short protein forms V454L.
Identifiers: ClinVar variation 291022 (VCV000291022.10), dbSNP rs758400152, ClinGen allele CA1951601.